The following is an entry in ClinVar:

NM_015267.4(CUX2):c.3133C>T (p.Pro1045Ser)

Gene: CUX2 (cut like homeobox 2; plus strand). Cytogenetic location: 12q24.12.
Variant type: single nucleotide variant.
Coding change: c.3133C>T on transcript NM_015267.4 (MANE Select); coding-DNA position 3133, C replaced by T.
Protein change: p.Pro1045Ser; replaces proline 1045 with serine.
Molecular consequence: missense variant.
Genome position (GRCh38, 1-based): chr12:111,334,647, C>T. VCF-style: chr12-111334647-C-T. GRCh37 (hg19) VCF-style: chr12-111772451-C-T.
Other names: c.2947C>T, p.Pro983Ser (NM_001370598.1); short protein forms P1045S, P983S.
Identifiers: ClinVar variation 1098638 (VCV001098638.1), dbSNP rs759732385, ClinGen allele CA386716700.

ClinVar aggregate classification (germline): Uncertain significance (1 of 4 stars; one submission).

Conditions:
Developmental and epileptic encephalopathy, 67. Also called: EPILEPTIC ENCEPHALOPATHY, EARLY INFANTILE, 67. Identifiers: MedGen C4748341, MONDO:0029138, OMIM 618141.

Submission:

New York Genome Center
Classification: Uncertain significance for Developmental and epileptic encephalopathy, 67. Last evaluated: 2020-05-19. Review status: criteria provided, single submitter. Criteria: NYGC Assertion Criteria 2020. Collection method: clinical testing. Allele origin: de novo. Observed: 1 heterozygote. Study: CSER-NYCKidSeq.
Comment: The de novo c.3133C>T (p.Pro1045Ser) variant identified in the CUX2 gene substitutes a very well conserved Proline for Serine at amino acid 1045/1487 (coding exon 19/22). This variant is absent from gnomAD(v3.0) suggesting it is not a common benign variant in the populations represented in this database. In silico algorithms do not agree on the effect of this variant, as it is predicted Deleterious (Provean; -6.12), Damaging (SIFT; score:0.003), and Benign (REVEL; score:0.1679) to the function of the canonical transcript. This variant is absent from ClinVar and to our current knowledge has not been reported in affected individuals in the literature. The p.Pro1045 residue is within the CUT3 DNA Binding domain of CUX2 (residues 1038-1125; UniProtKB:O14529), however to our current knowledge no affected individuals have been identified in the literature with missense variants in this domain. To date only a single recurrent missense variant, p.Glu590Lys, within the first DNA binding domain of CUX2 has been identified in individuals with CUX2 associated epileptic encephalopathy [PMID:29795476; PMID:29630738], and functional studies have not been performed in affected individuals to determine the molecular pathogenesis of this specific variant. Given this, and the uncertainty regarding additional missense variants in the CUX2 gene, the de novo c.3133C>T (p.Pro1045Ser) variant is reported here as a Variant of Uncertain Significance.